The following is an entry in ClinVar:

NM_020975.6(RET):c.2051C>T (p.Pro684Leu)

Gene: RET (ret proto-oncogene; plus strand). Cytogenetic location: 10q11.21.
Variant type: single nucleotide variant.
Coding change: c.2051C>T on transcript NM_020975.6 (MANE Select); coding-DNA position 2051, C replaced by T.
Protein change: p.Pro684Leu; replaces proline 684 with leucine.
Molecular consequence: missense variant.
Genome position (GRCh38, 1-based): chr10:43,114,651, C>T. VCF-style: chr10-43114651-C-T. GRCh37 (hg19) VCF-style: chr10-43610099-C-T.
Other names: c.1613C>T, p.Pro538Leu (NM_001406773.1, NM_001406771.1); c.1526C>T, p.Pro509Leu (NM_001406774.1); c.1325C>T, p.Pro442Leu (NM_001406775.1, NM_001406778.1, NM_001406777.1 and 1 more transcripts); c.1154C>T, p.Pro385Leu (NM_001406779.1, NM_001406780.1, NM_001406781.1 and 1 more transcripts); c.2051C>T, p.Pro684Leu (NM_000323.2, NM_001406743.1, NM_001406744.1 and 4 more transcripts); c.1289C>T, p.Pro430Leu (NM_001355216.2); c.1922C>T, p.Pro641Leu (NM_001406761.1, NM_001406762.1, NM_001406764.1); c.1916C>T, p.Pro639Leu (NM_001406763.1, NM_001406765.1); and 10 more; short protein forms P430L, P684L, P201L, P538L, P552L, P342L, P354L, P509L.
Identifiers: ClinVar variation 820592 (VCV000820592.15), dbSNP rs760088950, ClinGen allele CA037092.

ClinVar aggregate classification (germline): Uncertain significance. Review status: criteria provided, multiple submitters, no conflicts (2 of 4 stars). 4 submissions from 4 submitters: Uncertain significance (4). Last evaluated 2025-09-07.

Conditions:
Hereditary cancer-predisposing syndrome. Also called: Neoplastic Syndromes, Hereditary; Tumor predisposition; Hereditary Cancer Syndrome; Hereditary neoplastic syndrome. Identifiers: Orphanet 140162, MedGen C0027672, MeSH D009386, MONDO:0015356.
Multiple endocrine neoplasia, type 2 (MEN2). Identifiers: Orphanet 653, MedGen C4048306, MONDO:0019003. Disease mechanism: gain of function.
Hirschsprung disease, susceptibility to, 1 (HSCR1). Also called: RET-Related Hirschsprung Disease. Identifiers: Orphanet 388, MedGen C3888239, MONDO:0007723, OMIM 142623.

Allele frequency attached by ClinVar (database versions not stated): ExAC 0.00001; gnomAD 0.00001; gnomAD exomes 0.00001; TOPMed 0.00001.
gnomAD v4.1: 8 of 1,612,886 alleles (0.0005%); highest among the groups gnomAD compares: Admixed American, 0.0033%; no homozygotes.

Submissions (4):

Labcorp Genetics (formerly Invitae), Labcorp
Classification: Uncertain significance for Multiple endocrine neoplasia, type 2. Last evaluated: 2025-09-07. Review status: criteria provided, single submitter. Criteria: Invitae Variant Classification Sherloc (09022015). Collection method: clinical testing. Allele origin: germline.
Comment: This sequence change replaces proline, which is neutral and non-polar, with leucine, which is neutral and non-polar, at codon 684 of the RET protein (p.Pro684Leu). The frequency data for this variant in the population databases is considered unreliable, as metrics indicate poor data quality at this position in the gnomAD database. This variant has not been reported in the literature in individuals affected with RET-related conditions. ClinVar contains an entry for this variant (Variation ID: 820592). An algorithm developed to predict the effect of missense changes on protein structure and function (PolyPhen-2) suggests that this variant is likely to be disruptive. In summary, the available evidence is currently insufficient to determine the role of this variant in disease. Therefore, it has been classified as a Variant of Uncertain Significance.

Color Diagnostics, LLC DBA Color Health
Classification: Uncertain significance for Multiple endocrine neoplasia, type 2. Last evaluated: 2025-07-16. Review status: criteria provided, single submitter. Criteria: ACMG Guidelines, 2015. Collection method: clinical testing. Allele origin: germline.
Comment: This missense variant replaces proline with leucine at codon 684 of the RET protein. Computational prediction is inconclusive regarding the impact of this variant on protein structure and function. To our knowledge, functional studies have not been reported for this variant. This variant has not been reported in individuals affected with RET-related disorders in the literature. This variant has been identified in 2/250604 chromosomes in the general population by the Genome Aggregation Database (gnomAD). The available evidence is insufficient to determine the role of this variant in disease conclusively. Therefore, this variant is classified as a Variant of Uncertain Significance.

Ambry Genetics
Classification: Uncertain significance for Hereditary cancer-predisposing syndrome. Last evaluated: 2024-05-27. Review status: criteria provided, single submitter. Criteria: Ambry Variant Classification Scheme 2023. Collection method: clinical testing. Allele origin: germline.
Comment: The p.P684L variant (also known as c.2051C>T), located in coding exon 11 of the RET gene, results from a C to T substitution at nucleotide position 2051. The proline at codon 684 is replaced by leucine, an amino acid with similar properties. This amino acid position is highly conserved in available vertebrate species. In addition, the in silico prediction for this alteration is inconclusive. Since supporting evidence is limited at this time, the clinical significance of this alteration remains unclear.

Baylor Genetics
Classification: Uncertain significance for Hirschsprung disease, susceptibility to, 1. Last evaluated: 2023-12-04. Review status: criteria provided, single submitter. Criteria: ACMG Guidelines, 2015. Collection method: clinical testing. Allele origin: unknown.